The following is an entry in ClinVar:

ClinVar aggregate classification (germline): Pathogenic. Review status: criteria provided, multiple submitters, no conflicts (2 of 4 stars). 5 submissions from 5 submitters: Pathogenic (5). Last evaluated 2025-06-29.

Conditions:
Congenital myasthenic syndrome (CMS). Also called: Congenital Myasthenic Syndromes. Identifiers: Orphanet 590, MedGen C0751882, MeSH D020294, MONDO:0018940.
Familial infantile myasthenia (CMS6). Also called: MYASTHENIC SYNDROME, PRESYNAPTIC, CONGENITAL, ASSOCIATED WITH EPISODIC APNEA; Congenital myasthenic syndrome type 6; MYASTHENIC SYNDROME, CONGENITAL, 6, PRESYNAPTIC. Identifiers: Orphanet 590, MedGen C0393929, MONDO:0009689, OMIM 254210.

Allele frequency attached by ClinVar (database versions not stated): ExAC 0.00001; gnomAD 0.00001; gnomAD exomes 0.00002 and 0.00006; TOPMed 0.00002; ESP Exome Variant Server 0.00008.
gnomAD v4.1: 89 of 1,614,016 alleles (0.0055%); highest among the groups gnomAD compares: Non-Finnish European, 0.0067%; no homozygotes.

Submissions (5):

Labcorp Genetics (formerly Invitae), Labcorp
Classification: Pathogenic for Familial infantile myasthenia. Last evaluated: 2025-06-29. Review status: criteria provided, single submitter. Criteria: Invitae Variant Classification Sherloc (09022015). Collection method: clinical testing. Allele origin: germline.
Comment: This sequence change creates a premature translational stop signal (p.Arg548*) in the CHAT gene. It is expected to result in an absent or disrupted protein product. Loss-of-function variants in CHAT are known to be pathogenic (PMID: 12548525, 21786365, 23292760). This variant is present in population databases (rs369251527, gnomAD 0.005%). This premature translational stop signal has been observed in individual(s) with congenital myasthenic syndrome (PMID: 12548525, 29189923). ClinVar contains an entry for this variant (Variation ID: 461449). For these reasons, this variant has been classified as Pathogenic.

GeneDx
Classification: Pathogenic. Last evaluated: 2025-06-26. Review status: criteria provided, single submitter. Criteria: GeneDx Variant Classification Process June 2021. Collection method: clinical testing. Allele origin: germline. Affected: yes.
Comment: Observed with a second CHAT variant on the opposite allele (in trans) or phase unknown in patients with congenital myasthenic syndrome in published literature (PMID: 12548525, 29189923); Nonsense variant predicted to result in protein truncation or nonsense mediated decay in a gene for which loss of function is a known mechanism of disease; Not observed at significant frequency in large population cohorts (gnomAD); This variant is associated with the following publications: (PMID: 25525159, 19688192, 26080897, 12548525, 29189923)

Fulgent Genetics
Classification: Pathogenic for Familial infantile myasthenia. Last evaluated: 2024-01-17. Review status: criteria provided, single submitter. Criteria: ACMG Guidelines, 2015. Collection method: clinical testing. Allele origin: germline.

Baylor Genetics
Classification: Pathogenic for Familial infantile myasthenia. Last evaluated: 2024-01-10. Review status: criteria provided, single submitter. Criteria: ACMG Guidelines, 2015. Collection method: clinical testing. Allele origin: unknown.

Women's Health and Genetics/Laboratory Corporation of America, LabCorp
Classification: Pathogenic for Congenital myasthenic syndrome. Last evaluated: 2023-02-16. Review status: criteria provided, single submitter. Criteria: LabCorp Variant Classification Summary - May 2015. Collection method: clinical testing. Allele origin: germline.
Comment: Variant summary: CHAT c.1642C>T (p.Arg548X) results in a premature termination codon, predicted to cause a truncation of the encoded protein or absence of the protein due to nonsense mediated decay, which are commonly known mechanisms for disease. Truncations downstream of this position have been cited as pathogenic and disease-associated in ClinVar and HGMD. The variant allele was found at a frequency of 1.6e-05 in 251368 control chromosomes (gnomAD). c.1642C>T has been reported in the literature in individuals affected with Congenital Myasthenic Syndrome (e.g. Maselli_2003, McMacken_2018). One clinical diagnostic laboratory has submitted clinical-significance assessments for this variant to ClinVar after 2014 and classified the variant as pathogenic. Based on the evidence outlined above, the variant was classified as pathogenic.

Literature cited by the submitters: PubMed 12548525 (cited by Labcorp Genetics (formerly Invitae), Labcorp and Women's Health and Genetics/Laboratory Corporation of America, LabCorp); PubMed 21786365 (cited by Labcorp Genetics (formerly Invitae), Labcorp); PubMed 23292760 (cited by Labcorp Genetics (formerly Invitae), Labcorp); PubMed 29189923 (cited by Labcorp Genetics (formerly Invitae), Labcorp and Women's Health and Genetics/Laboratory Corporation of America, LabCorp).

NM_020549.5(CHAT):c.1642C>T (p.Arg548Ter)

Gene: CHAT (choline O-acetyltransferase; plus strand). Cytogenetic location: 10q11.23.
Variant type: single nucleotide variant.
Coding change: c.1642C>T on transcript NM_020549.5 (MANE Select); coding-DNA position 1642, C replaced by T.
Protein change: p.Arg548Ter; replaces arginine 548 with a stop codon.
Molecular consequence: nonsense.
Genome position (GRCh38, 1-based): chr10:49,655,102, C>T. VCF-style: chr10-49655102-C-T. GRCh37 (hg19) VCF-style: chr10-50863148-C-T.
Other names: c.1288C>T, p.Arg430Ter (NM_001142929.2, NM_001142934.2, NM_020984.4 and 2 more transcripts); c.1396C>T, p.Arg466Ter (NM_001142933.2); short protein forms R548*, R430*, R466*.
Identifiers: ClinVar variation 461449 (VCV000461449.13), dbSNP rs369251527, ClinGen allele CA5497581.
Genomic context (GRCh38, chr10:49,655,102, plus strand): 5'-ATGATTTCCCAAGAATAAATTACCATGTGCCATTCATCCTTCATCCCACGCAGGCTCCAT[C>T]GAAGACTGGTGCCCACCTACGAGAGCGCGTCCATCCGCCGATTCCAGGAGGGACGCGTGG-3'